The following is an entry in ClinVar:

NM_000075.4(CDK4):c.716C>A (p.Pro239His)

Genes: CDK4 (cyclin dependent kinase 4; minus strand), TSPAN31 (tetraspanin 31; plus strand). Cytogenetic location: 12q14.1.
Variant type: single nucleotide variant.
Coding change: c.716C>A on transcript NM_000075.4 (MANE Select); coding-DNA position 716, C replaced by A.
Protein change: p.Pro239His; replaces proline 239 with histidine.
Molecular consequence: missense variant. On other transcripts: 3 prime UTR variant (3).
Genome position (GRCh38, 1-based): chr12:57,749,285, G>T on the plus strand (C>A on the coding strand, the complement: CDK4 is on the minus strand). VCF-style: chr12-57749285-G-T. GRCh37 (hg19) VCF-style: chr12-58143068-G-T.
Other names: c.*1995G>T (NM_001330168.2, NM_001330169.2, NM_005981.5); short protein forms P239H.
Identifiers: ClinVar variation 4224574 (VCV004224574.1).

ClinVar aggregate classification (germline): Uncertain significance (1 of 4 stars; one submission).

Conditions:
Hereditary cancer-predisposing syndrome. Also called: Hereditary Cancer Syndrome; Hereditary neoplastic syndrome; Neoplastic Syndromes, Hereditary; Tumor predisposition. Identifiers: Orphanet 140162, MedGen C0027672, MeSH D009386, MONDO:0015356.

Submission:

Ambry Genetics
Classification: Uncertain significance for Hereditary cancer-predisposing syndrome. Last evaluated: 2025-07-17. Review status: criteria provided, single submitter. Criteria: Ambry Variant Classification Scheme 2023. Collection method: clinical testing. Allele origin: germline.
Comment: The p.P239H variant (also known as c.716C>A), located in coding exon 6 of the CDK4 gene, results from a C to A substitution at nucleotide position 716. The proline at codon 239 is replaced by histidine, an amino acid with similar properties. This amino acid position is highly conserved in available vertebrate species. In addition, the in silico prediction for this alteration is inconclusive. Based on the available evidence, the clinical significance of this variant remains unclear.